The following is an entry in ClinVar:

ClinVar aggregate classification (germline): Likely benign (1 of 4 stars; one submission).

Allele frequency attached by ClinVar (database versions not stated): gnomAD exomes below 0.00001; gnomAD 0.00001.
gnomAD v4.1: 2 of 1,613,594 alleles (0.00012%); highest among the groups gnomAD compares: South Asian, 0.0022%; no homozygotes.

Submission:

CeGaT Center for Human Genetics Tuebingen
Classification: Likely benign. Last evaluated: 2022-09-01. Review status: criteria provided, single submitter. Criteria: CeGaT Center For Human Genetics Tuebingen Variant Classification Criteria Version 2. Collection method: clinical testing. Allele origin: germline. Affected: yes. Observed: 1 variant allele.
Comment: SMC3: BP4, BP7

NM_005445.4(SMC3):c.1752G>A (p.Glu584=)

Gene: SMC3 (structural maintenance of chromosomes 3; plus strand). Cytogenetic location: 10q25.2.
Variant type: single nucleotide variant.
Coding change: c.1752G>A on transcript NM_005445.4 (MANE Select); coding-DNA position 1752, G replaced by A.
Protein change: p.Glu584=; no amino-acid change (glutamic acid 584 retained).
Molecular consequence: synonymous variant.
Genome position (GRCh38, 1-based): chr10:110,591,072, G>A. VCF-style: chr10-110591072-G-A. GRCh37 (hg19) VCF-style: chr10-112350830-G-A.
Identifiers: ClinVar variation 2640828 (VCV002640828.24), dbSNP rs1861198107, ClinGen allele CA471372806.
Genomic context (GRCh38, chr10:110,591,072, plus strand): 5'-TTCAGATGAAGTCAGCACGAAGATTTTAATGGAGTTTAATAAAATGAATCTTCCTGGAGA[G>A]GTTACTTTTCTGCCTCTTAACAAGTTAGATGTCAGGGATACAGCCTATCCTGAAACCAAT-3'
Protein context (NP_005436.1, residues 574-594): MEFNKMNLPG[Glu584=]VTFLPLNKLD